The following is an entry in ClinVar:

ClinVar aggregate classification (germline): Uncertain significance (1 of 4 stars; one submission).

Conditions:
Brain small vessel disease 1 with or without ocular anomalies (BSVD1). Also called: PORENCEPHALY, TYPE 1, AUTOSOMAL DOMINANT; Brain small vessel disease with or without ocular anomalies; BRAIN SMALL VESSEL DISEASE WITH HEMORRHAGE; GOULD SYNDROME 1. Identifiers: Orphanet 2940, Orphanet 36383, Orphanet 99810, MedGen C4755307, MONDO:0008289, OMIM 175780.

Submission:

Institute of Human Genetics, University of Leipzig Medical Center
Classification: Uncertain significance for Brain small vessel disease 1 with or without ocular anomalies. Last evaluated: 2025-03-04. Review status: criteria provided, single submitter. Criteria: ACMG Guidelines, 2015. Collection method: clinical testing. Allele origin: unknown. Inheritance: Autosomal dominant inheritance. Affected: yes.
Comment: Criteria applied: PM2,PM1_SUP,PP2,PP3

NM_001845.6(COL4A1):c.3905G>T (p.Gly1302Val)

Gene: COL4A1 (collagen type IV alpha 1 chain; minus strand). Cytogenetic location: 13q34.
Variant type: single nucleotide variant.
Coding change: c.3905G>T on transcript NM_001845.6 (MANE Select); coding-DNA position 3905, G replaced by T.
Protein change: p.Gly1302Val; replaces glycine 1302 with valine.
Molecular consequence: missense variant.
Genome position (GRCh38, 1-based): chr13:110,167,202, C>A on the plus strand (G>T on the coding strand, the complement: COL4A1 is on the minus strand). VCF-style: chr13-110167202-C-A. GRCh37 (hg19) VCF-style: chr13-110819549-C-A.
Other names: short protein forms G1302V.
Identifiers: ClinVar variation 3778724 (VCV003778724.1).